The following is an entry in ClinVar:

ClinVar aggregate classification (germline): Uncertain significance (1 of 4 stars; one submission).

Conditions:
Baller-Gerold syndrome (BGS). Also called: CRANIOSYNOSTOSIS WITH RADIAL DEFECTS. Identifiers: Orphanet 1225, MedGen C0265308, MONDO:0009039, OMIM 218600.

Allele frequency attached by ClinVar (database versions not stated): gnomAD exomes below 0.00001 and 0.00001.

Submission:

Labcorp Genetics (formerly Invitae), Labcorp
Classification: Uncertain significance for Baller-Gerold syndrome. Last evaluated: 2022-02-21. Review status: criteria provided, single submitter. Criteria: Invitae Variant Classification Sherloc (09022015). Collection method: clinical testing. Allele origin: germline.
Comment: In summary, the available evidence is currently insufficient to determine the role of this variant in disease. Therefore, it has been classified as a Variant of Uncertain Significance. ClinVar contains an entry for this variant (Variation ID: 971518). This variant has not been reported in the literature in individuals affected with RECQL4-related conditions. This variant is present in population databases (no rsID available, gnomAD 0.0009%). This sequence change replaces leucine, which is neutral and non-polar, with valine, which is neutral and non-polar, at codon 186 of the RECQL4 protein (p.Leu186Val).

NM_004260.4(RECQL4):c.556C>G (p.Leu186Val)

Gene: RECQL4 (RecQ like helicase 4; minus strand). Cytogenetic location: 8q24.3.
Variant type: single nucleotide variant.
Coding change: c.556C>G on transcript NM_004260.4 (MANE Select); coding-DNA position 556, C replaced by G.
Protein change: p.Leu186Val; replaces leucine 186 with valine.
Molecular consequence: missense variant.
Genome position (GRCh38, 1-based): chr8:144,516,563, G>C on the plus strand (C>G on the coding strand, the complement: RECQL4 is on the minus strand). VCF-style: chr8-144516563-G-C. GRCh37 (hg19) VCF-style: chr8-145741947-G-C.
Other names: short protein forms L186V.
Identifiers: ClinVar variation 971518 (VCV000971518.7), dbSNP rs1171892293, ClinGen allele CA372691044.